The following is an entry in ClinVar:

NM_052844.4(DYNC2I2):c.1520T>C (p.Val507Ala)

Gene: DYNC2I2 (dynein 2 intermediate chain 2; minus strand). Cytogenetic location: 9q34.11.
Variant type: single nucleotide variant.
Coding change: c.1520T>C on transcript NM_052844.4 (MANE Select); coding-DNA position 1520, T replaced by C.
Protein change: p.Val507Ala; replaces valine 507 with alanine.
Molecular consequence: missense variant.
Genome position (GRCh38, 1-based): chr9:128,633,835, A>G on the plus strand (T>C on the coding strand, the complement: DYNC2I2 is on the minus strand). VCF-style: chr9-128633835-A-G. GRCh37 (hg19) VCF-style: chr9-131396114-A-G.
Other names: short protein forms V507A.
Identifiers: ClinVar variation 1932522 (VCV001932522.5), dbSNP rs760310956, ClinGen allele CA5266165.

ClinVar aggregate classification (germline): Uncertain significance (1 of 4 stars; one submission).

Conditions:
Short-rib thoracic dysplasia 11 with or without polydactyly (SRTD11). Also called: SHORT-RIB THORACIC DYSPLASIA 11 WITHOUT POLYDACTYLY. Identifiers: Orphanet 474, Orphanet 93271, MedGen C3810200, MONDO:0014287, OMIM 615633.

Allele frequency attached by ClinVar (database versions not stated): gnomAD exomes below 0.00001; TOPMed below 0.00001; ExAC 0.00001.
gnomAD v4.1: 1 of 1,613,478 alleles (0.000062%); highest among the groups gnomAD compares: Admixed American, 0.0017%; no homozygotes.

Submission:

Labcorp Genetics (formerly Invitae), Labcorp
Classification: Uncertain significance for Short-rib thoracic dysplasia 11 with or without polydactyly. Last evaluated: 2022-07-20. Review status: criteria provided, single submitter. Criteria: Invitae Variant Classification Sherloc (09022015). Collection method: clinical testing. Allele origin: germline.
Comment: In summary, the available evidence is currently insufficient to determine the role of this variant in disease. Therefore, it has been classified as a Variant of Uncertain Significance. Algorithms developed to predict the effect of missense changes on protein structure and function (SIFT, PolyPhen-2, Align-GVGD) all suggest that this variant is likely to be disruptive. This variant has not been reported in the literature in individuals affected with WDR34-related conditions. This variant is present in population databases (rs760310956, gnomAD 0.003%). This sequence change replaces valine, which is neutral and non-polar, with alanine, which is neutral and non-polar, at codon 507 of the WDR34 protein (p.Val507Ala).